The following is an entry in ClinVar:

NM_005902.4(SMAD3):c.259A>G (p.Ile87Val)

Gene: SMAD3 (SMAD family member 3; plus strand). Cytogenetic location: 15q22.33.
Variant type: single nucleotide variant.
Coding change: c.259A>G on transcript NM_005902.4 (MANE Select); coding-DNA position 259, A replaced by G.
Protein change: p.Ile87Val; replaces isoleucine 87 with valine.
Molecular consequence: missense variant. On other transcripts: 5 prime UTR variant (3).
Genome position (GRCh38, 1-based): chr15:67,164,947, A>G. VCF-style: chr15-67164947-A-G. GRCh37 (hg19) VCF-style: chr15-67457285-A-G.
Other names: c.-57A>G (NM_001145102.2, NM_001407015.1, NM_001407016.1); c.127A>G, p.Ile43Val (NM_001145103.2); c.259A>G, p.Ile87Val (NM_001407011.1, NM_001407012.1, NM_001407013.1); c.112A>G, p.Ile38Val (NM_001407014.1); short protein forms I87V, I43V, I38V.
Identifiers: ClinVar variation 4739823 (VCV004739823.1).

ClinVar aggregate classification (germline): Uncertain significance (1 of 4 stars; one submission).

Conditions:
Familial thoracic aortic aneurysm and aortic dissection (TAAD). Also called: Thoracic aortic aneurysms and dissections. Identifiers: Orphanet 91387, MedGen C4707243, MONDO:0019625.

Submission:

Labcorp Genetics (formerly Invitae), Labcorp
Classification: Uncertain significance for Familial thoracic aortic aneurysm and aortic dissection. Last evaluated: 2025-10-15. Review status: criteria provided, single submitter. Criteria: Invitae Variant Classification Sherloc (09022015). Collection method: clinical testing. Allele origin: germline.
Comment: This sequence change replaces isoleucine, which is neutral and non-polar, with valine, which is neutral and non-polar, at codon 87 of the SMAD3 protein (p.Ile87Val). This variant is not present in population databases (gnomAD no frequency). This variant has not been reported in the literature in individuals affected with SMAD3-related conditions. Invitae Evidence Modeling of protein sequence and biophysical properties (such as structural, functional, and spatial information, amino acid conservation, physicochemical variation, residue mobility, and thermodynamic stability) indicates that this missense variant is not expected to disrupt SMAD3 protein function with a negative predictive value of 80%. In summary, the available evidence is currently insufficient to determine the role of this variant in disease. Therefore, it has been classified as a Variant of Uncertain Significance.